The following is an entry in ClinVar:

ClinVar aggregate classification (germline): Uncertain significance (1 of 4 stars; one submission).

Conditions:
SRC-related disorder. Also called: SRC-related condition.

gnomAD v4.1: 35 of 1,557,612 alleles (0.0022%); highest among the groups gnomAD compares: Admixed American, 0.0074%; no homozygotes.

Submission:

PreventionGenetics, part of Exact Sciences
Classification: Uncertain significance for SRC-related condition. Last evaluated: 2025-11-22. Review status: criteria provided, single submitter. Criteria: ACMG Guidelines, 2015. Collection method: clinical testing. Allele origin: germline.
Comment: The SRC c.110C>T variant is predicted to result in the amino acid substitution p.Thr37Ile. To our knowledge, this variant has not been reported in the literature. This variant is reported in 0.011% of alleles in individuals of Latino descent in gnomAD. At this time, the clinical significance of this variant is uncertain due to the absence of conclusive functional and genetic evidence.

NM_198291.3(SRC):c.110C>T (p.Thr37Ile)

Gene: SRC (SRC proto-oncogene, non-receptor tyrosine kinase; plus strand). Cytogenetic location: 20q11.23.
Variant type: single nucleotide variant.
Coding change: c.110C>T on transcript NM_198291.3 (MANE Select); coding-DNA position 110, C replaced by T.
Protein change: p.Thr37Ile; replaces threonine 37 with isoleucine.
Molecular consequence: missense variant.
Genome position (GRCh38, 1-based): chr20:37,384,263, C>T. VCF-style: chr20-37384263-C-T. GRCh37 (hg19) VCF-style: chr20-36012666-C-T.
Other names: c.110C>T, p.Thr37Ile (NM_005417.5); short protein forms T37I.
Identifiers: ClinVar variation 4982842 (VCV004982842.1).